The following is an entry in ClinVar:

NM_014877.4(HELZ):c.4955G>A (p.Arg1652His)

Gene: HELZ (helicase with zinc finger; minus strand). Cytogenetic location: 17q24.2.
Variant type: single nucleotide variant.
Coding change: c.4955G>A on transcript NM_014877.4 (MANE Select); coding-DNA position 4955, G replaced by A.
Protein change: p.Arg1652His; replaces arginine 1652 with histidine.
Molecular consequence: missense variant.
Genome position (GRCh38, 1-based): chr17:67,107,455, C>T on the plus strand (G>A on the coding strand, the complement: HELZ is on the minus strand). VCF-style: chr17-67107455-C-T. GRCh37 (hg19) VCF-style: chr17-65103571-C-T.
Other names: c.4958G>A, p.Arg1653His (NM_001330447.2); c.4955G>A (NM_014877.3); short protein forms R1652H, R1653H.
Identifiers: ClinVar variation 2648114 (VCV002648114.25), dbSNP rs181054982, ClinGen allele CA8722352.

ClinVar aggregate classification (germline): Uncertain significance. Review status: criteria provided, multiple submitters, no conflicts (2 of 4 stars). 2 submissions from 2 submitters: Uncertain significance (2). Last evaluated 2022-09-01.

Allele frequency attached by ClinVar (database versions not stated): ESP Exome Variant Server 0.00008; gnomAD exomes 0.00008; gnomAD 0.00011; ExAC 0.00015; 1000 Genomes Project 0.00020; TOPMed 0.00020; 1000 Genomes Project 30x 0.00031.
gnomAD v4.1: 154 of 1,614,050 alleles (0.0095%); highest among the groups gnomAD compares: Admixed American, 0.048%; no homozygotes.

Submissions (2):

CeGaT Center for Human Genetics Tuebingen
Classification: Uncertain significance. Last evaluated: 2022-09-01. Review status: criteria provided, single submitter. Criteria: CeGaT Center For Human Genetics Tuebingen Variant Classification Criteria Version 2. Collection method: clinical testing. Allele origin: germline. Affected: yes. Observed: 1 variant allele.
Comment: HELZ: PP2, BP4

Ambry Genetics
Classification: Uncertain significance. Last evaluated: 2021-10-18. Review status: criteria provided, single submitter. Criteria: Ambry Variant Classification Scheme 2023. Collection method: clinical testing. Allele origin: germline.